The following is an entry in ClinVar:

ClinVar aggregate classification (germline): Uncertain significance. Review status: criteria provided, multiple submitters, no conflicts (2 of 4 stars). 2 submissions from 2 submitters: Uncertain significance (2). Last evaluated 2025-03-24.

Conditions:
RYR1-related disorder. Also called: RYR1-related condition; RYR1-related disorders. Identifiers: MedGen CN239331.
Inborn genetic diseases. Identifiers: MedGen C0950123, MeSH D030342.

Allele frequency attached by ClinVar (database versions not stated): gnomAD 0.00001.

Submissions (2):

Labcorp Genetics (formerly Invitae), Labcorp
Classification: Uncertain significance for RYR1-related disorder. Last evaluated: 2025-03-24. Review status: criteria provided, single submitter. Criteria: Invitae Variant Classification Sherloc (09022015). Collection method: clinical testing. Allele origin: germline.
Comment: This sequence change replaces aspartic acid, which is acidic and polar, with asparagine, which is neutral and polar, at codon 4435 of the RYR1 protein (p.Asp4435Asn). This variant is present in population databases (no rsID available, gnomAD 0.02%). This variant has not been reported in the literature in individuals affected with RYR1-related conditions. ClinVar contains an entry for this variant (Variation ID: 2152408). Invitae Evidence Modeling of protein sequence and biophysical properties (such as structural, functional, and spatial information, amino acid conservation, physicochemical variation, residue mobility, and thermodynamic stability) indicates that this missense variant is not expected to disrupt RYR1 protein function with a negative predictive value of 80%. In summary, the available evidence is currently insufficient to determine the role of this variant in disease. Therefore, it has been classified as a Variant of Uncertain Significance.

Ambry Genetics
Classification: Uncertain significance for Inborn genetic diseases. Last evaluated: 2024-10-11. Review status: criteria provided, single submitter. Criteria: Ambry Variant Classification Scheme 2023. Collection method: clinical testing. Allele origin: germline.

NM_000540.3(RYR1):c.13303G>A (p.Asp4435Asn)

Genes: RYR1 (ryanodine receptor 1; plus strand), LOC130064357 (ATAC-STARR-seq lymphoblastoid silent region 10577; plus strand). Cytogenetic location: 19q13.2.
Variant type: single nucleotide variant.
Coding change: c.13303G>A on transcript NM_000540.3 (MANE Select); coding-DNA position 13303, G replaced by A.
Protein change: p.Asp4435Asn; replaces aspartic acid 4435 with asparagine.
Molecular consequence: missense variant.
Genome position (GRCh38, 1-based): chr19:38,565,637, G>A. VCF-style: chr19-38565637-G-A. GRCh37 (hg19) VCF-style: chr19-39056277-G-A.
Other names: c.13288G>A, p.Asp4430Asn (NM_001042723.2); short protein forms D4430N, D4435N.
Identifiers: ClinVar variation 2152408 (VCV002152408.3), dbSNP rs1294933370, ClinGen allele CA405674862.